The following is an entry in ClinVar:

ClinVar aggregate classification (germline): Pathogenic (1 of 4 stars; one submission).

Conditions:
Short-rib thoracic dysplasia 14 with polydactyly (SRTD14). Identifiers: Orphanet 397715, MedGen C4225286, MONDO:0014688, OMIM 616546.
Joubert syndrome 23 (JBTS23). Identifiers: Orphanet 475, MedGen C4084822, MONDO:0014664, OMIM 616490.

Submission:

Labcorp Genetics (formerly Invitae), Labcorp
Classification: Pathogenic for Joubert syndrome 23; Short-rib thoracic dysplasia 14 with polydactyly. Last evaluated: 2026-01-26. Review status: criteria provided, single submitter. Criteria: Invitae Variant Classification Sherloc (09022015). Collection method: clinical testing. Allele origin: germline.
Comment: This sequence change creates a premature translational stop signal (p.Gln1423*) in the KIAA0586 gene. It is expected to result in an absent or disrupted protein product. Loss-of-function variants in KIAA0586 are known to be pathogenic (PMID: 26096313, 26166481, 26386044). This variant is not present in population databases (gnomAD no frequency). This variant has not been reported in the literature in individuals affected with KIAA0586-related conditions. For these reasons, this variant has been classified as Pathogenic.

Literature cited by the submitters: PubMed 26096313; PubMed 26166481; PubMed 26386044.

NM_001329943.3(KIAA0586):c.4108C>T (p.Gln1370Ter)

Gene: KIAA0586 (KIAA0586; plus strand). Cytogenetic location: 14q23.1.
Variant type: single nucleotide variant.
Coding change: c.4108C>T on transcript NM_001329943.3 (MANE Select); coding-DNA position 4108, C replaced by T.
Protein change: p.Gln1370Ter; replaces glutamine 1370 with a stop codon.
Molecular consequence: nonsense.
Genome position (GRCh38, 1-based): chr14:58,498,900, C>T. VCF-style: chr14-58498900-C-T. GRCh37 (hg19) VCF-style: chr14-58965618-C-T.
Other names: c.4267C>T, p.Gln1423Ter (NM_001244189.2); c.4063C>T, p.Gln1355Ter (NM_001244190.2); c.3853C>T, p.Gln1285Ter (NM_001244191.2, NM_001329945.2, NM_001364700.1 and 1 more transcripts); c.3976C>T, p.Gln1326Ter (NM_001244192.2, NM_001329947.2); c.3688C>T, p.Gln1230Ter (NM_001244193.2); c.4108C>T, p.Gln1370Ter (NM_001329944.2, NM_001329946.2); c.3880C>T, p.Gln1294Ter (NM_014749.5); short protein forms Q1285*, Q1326*, Q1423*, Q1230*, Q1294*, Q1370*, Q1355*.
Identifiers: ClinVar variation 4787270 (VCV004787270.1).
Genomic context (GRCh38, chr14:58,498,900, plus strand): 5'-GCAGCAGAGAACATCTTAATGGGACATTCTCTCTATATGCAGCCACCTGTCACTAATACA[C>T]AGTCTTTGGATCAACAATGTGATCCTAAACCATTATCTCGGCAATTTGACACAGTTTCAG-3'